The following is an entry in ClinVar:

ClinVar aggregate classification (germline): Likely benign. Review status: criteria provided, multiple submitters, no conflicts (2 of 4 stars). 2 submissions from 2 submitters: Likely benign (2). Last evaluated 2026-02-01.

Allele frequency attached by ClinVar (database versions not stated): 1000 Genomes Project 30x 0.00109; 1000 Genomes Project 0.00120; gnomAD 0.00281; TOPMed 0.00290; ExAC 0.00293; ESP Exome Variant Server 0.00384; gnomAD exomes 0.00452.
gnomAD v4.1: 6,906 of 1,614,060 alleles (0.43%); highest among the groups gnomAD compares: Non-Finnish European, 0.55%; 23 homozygotes.

Submissions (2):

CeGaT Center for Human Genetics Tuebingen
Classification: Likely benign. Last evaluated: 2026-02-01. Review status: criteria provided, single submitter. Criteria: CeGaT Center For Human Genetics Tuebingen Variant Classification Criteria Version 2. Collection method: clinical testing. Allele origin: germline. Affected: yes. Observed: 7 variant alleles.
Comment: MACF1: BP4, BS2

Blueprint Genetics
Classification: Likely benign. Last evaluated: 2023-03-20. Review status: criteria provided, single submitter. Criteria: ACMG Guidelines, 2015. Collection method: clinical testing. Allele origin: germline.

NM_001394062.1(MACF1):c.8439A>T (p.Arg2813Ser)

Gene: MACF1 (microtubule actin crosslinking factor 1; plus strand). Cytogenetic location: 1p34.3.
Variant type: single nucleotide variant.
Coding change: c.8439A>T on transcript NM_001394062.1 (MANE Select); coding-DNA position 8439, A replaced by T.
Protein change: p.Arg2813Ser; replaces arginine 2813 with serine.
Molecular consequence: missense variant. On other transcripts: intron variant (1).
Genome position (GRCh38, 1-based): chr1:39,335,027, A>T. VCF-style: chr1-39335027-A-T. GRCh37 (hg19) VCF-style: chr1-39800699-A-T.
Other names: c.4629+7674A>T (NM_012090.5); short protein forms R2813S.
Identifiers: ClinVar variation 2498401 (VCV002498401.29), dbSNP rs80235954, ClinGen allele CA780974.